The following is an entry in ClinVar:

ClinVar aggregate classification (germline): Likely pathogenic (1 of 4 stars; one submission).

Conditions:
Polydactyly, postaxial, type A1. Identifiers: MedGen C4282400, MONDO:0008266, OMIM 174200.
Greig cephalopolysyndactyly syndrome (GCPS). Also called: GLI3-Related Greig Cephalopolysyndactyly Syndrome; POLYSYNDACTYLY WITH PECULIAR SKULL SHAPE; Greig syndrome. Identifiers: Orphanet 380, MedGen C0265306, MONDO:0008287, OMIM 175700.
Polysyndactyly 4. Also called: Polysyndactyly uncomplicated; Preaxial polydactyly 4. Identifiers: Orphanet 93338, MedGen C1868111, MONDO:0008272, OMIM 174700.
Pallister-Hall syndrome (PHS). Also called: GLI3-Related Pallister-Hall Syndrome; HYPOTHALAMIC HAMARTOBLASTOMA, HYPOPITUITARISM, IMPERFORATE ANUS, AND POSTAXIAL POLYDACTYLY. Identifiers: Orphanet 672, MedGen C0265220, MONDO:0007804, OMIM 146510.

Submission:

Juno Genomics, Hangzhou Juno Genomics, Inc
Classification: Likely pathogenic for Greig cephalopolysyndactyly syndrome; Pallister-Hall syndrome; Polydactyly, postaxial, type A1; Polysyndactyly 4. Review status: criteria provided, single submitter. Criteria: ACMG Guidelines, 2015. Collection method: clinical testing. Allele origin: germline. Affected: yes.
Comment: Absent from controls (or at extremely low frequency if recessive) in Genome Aggregation Database.;Null variant in a gene where loss of function (LOF) is a known mechanism of disease.

NM_000168.6(GLI3):c.805G>T (p.Glu269Ter)

Gene: GLI3 (GLI family zinc finger 3; minus strand). Cytogenetic location: 7p14.1.
Variant type: single nucleotide variant.
Coding change: c.805G>T on transcript NM_000168.6 (MANE Select); coding-DNA position 805, G replaced by T.
Protein change: p.Glu269Ter; replaces glutamic acid 269 with a stop codon.
Molecular consequence: nonsense.
Genome position (GRCh38, 1-based): chr7:42,045,405, C>A on the plus strand (G>T on the coding strand, the complement: GLI3 is on the minus strand). VCF-style: chr7-42045405-C-A. GRCh37 (hg19) VCF-style: chr7-42085004-C-A.
Other names: short protein forms E269*.
Identifiers: ClinVar variation 5019143 (VCV005019143.1).